The following is an entry in ClinVar:

NM_001148.6(ANK2):c.6150C>G (p.Ile2050Met)

Genes: ANK2 (ankyrin 2; plus strand), LOC126807136 (MED14-independent group 3 enhancer GRCh37_chr4:114274931-114276130; plus strand). Cytogenetic location: 4q26.
Variant type: single nucleotide variant.
Coding change: c.6150C>G on transcript NM_001148.6 (MANE Select); coding-DNA position 6150, C replaced by G.
Protein change: p.Ile2050Met; replaces isoleucine 2050 with methionine.
Molecular consequence: missense variant. On other transcripts: intron variant (68).
Genome position (GRCh38, 1-based): chr4:113,354,768, C>G. VCF-style: chr4-113354768-C-G. GRCh37 (hg19) VCF-style: chr4-114275924-C-G.
Other names: c.4264+4519C>G (NM_001354262.2, NM_001354275.2, NM_001354245.2); c.4201+4519C>G (NM_001354253.2, NM_001354270.2); c.4165+4519C>G (NM_001354257.2, NM_001386156.1); c.4240+4519C>G (NM_001354249.2, NM_001354266.2, NM_001354276.2 and 2 more transcripts); c.4207+4519C>G (NM_001386146.1, NM_001386150.1, NM_001386149.1 and 1 more transcripts); c.4192+4519C>G (NM_001354274.2, NM_001386154.1); c.4141+4519C>G (NM_001386151.1, NM_001354260.2, NM_001354271.2); c.4042+4519C>G (NM_001386157.1, NM_001354277.2); and 35 more; short protein forms I1972M, I2050M, I2089M, I2097M, I850M.
Identifiers: ClinVar variation 4858226 (VCV004858226.1).

ClinVar aggregate classification (germline): Uncertain significance (1 of 4 stars; one submission).

Conditions:
Cardiovascular phenotype. Identifiers: MedGen CN230736.

Submission:

Ambry Genetics
Classification: Uncertain significance for Cardiovascular phenotype. Last evaluated: 2026-05-03. Review status: criteria provided, single submitter. Criteria: Ambry Variant Classification Scheme 2023. Collection method: clinical testing. Allele origin: germline.
Comment: The p.I2050M variant (also known as c.6150C>G), located in coding exon 38 of the ANK2 gene, results from a C to G substitution at nucleotide position 6150. The isoleucine at codon 2050 is replaced by methionine, an amino acid with highly similar properties. This amino acid position is conserved. In addition, this alteration is predicted to be tolerated by in silico analysis. Based on the available evidence, the clinical significance of this variant remains unclear.